The following is an entry in ClinVar:

NM_005428.4(VAV1):c.1568T>C (p.Phe523Ser)

Gene: VAV1 (vav guanine nucleotide exchange factor 1; plus strand). Cytogenetic location: 19p13.3.
Variant type: single nucleotide variant.
Coding change: c.1568T>C on transcript NM_005428.4 (MANE Select); coding-DNA position 1568, T replaced by C.
Protein change: p.Phe523Ser; replaces phenylalanine 523 with serine.
Molecular consequence: missense variant.
Genome position (GRCh38, 1-based): chr19:6,833,243, T>C. VCF-style: chr19-6833243-T-C. GRCh37 (hg19) VCF-style: chr19-6833254-T-C.
Other names: c.1568T>C, p.Phe523Ser (NM_001258206.2); c.1472T>C, p.Phe491Ser (NM_001258207.2); short protein forms F491S, F523S.
Identifiers: ClinVar variation 2879066 (VCV002879066.3), dbSNP rs2512379978, ClinGen allele CA403627607.

ClinVar aggregate classification (germline): Uncertain significance (1 of 4 stars; one submission).

Submission:

Labcorp Genetics (formerly Invitae), Labcorp
Classification: Uncertain significance. Last evaluated: 2025-10-21. Review status: criteria provided, single submitter. Criteria: Invitae Variant Classification Sherloc (09022015). Collection method: clinical testing. Allele origin: germline.
Comment: This sequence change replaces phenylalanine, which is neutral and non-polar, with serine, which is neutral and polar, at codon 523 of the VAV1 protein (p.Phe523Ser). This variant is not present in population databases (gnomAD no frequency). This variant has not been reported in the literature in individuals affected with VAV1-related conditions. ClinVar contains an entry for this variant (Variation ID: 2879066). An algorithm developed to predict the effect of missense changes on protein structure and function (PolyPhen-2) suggests that this variant is likely to be disruptive. In summary, the available evidence is currently insufficient to determine the role of this variant in disease. Therefore, it has been classified as a Variant of Uncertain Significance.